The following is an entry in ClinVar:

NM_000748.3(CHRNB2):c.930del (p.Ser311fs)

Gene: CHRNB2 (cholinergic receptor nicotinic beta 2 subunit; plus strand). Cytogenetic location: 1q21.3.
Variant type: Deletion.
Coding change: c.930del on transcript NM_000748.3 (MANE Select); coding-DNA position 930, one base deleted (C; older notation c.930delC).
Protein change: p.Ser311fs; shifts the reading frame from serine 311.
Molecular consequence: frameshift variant.
Genome position (GRCh38, 1-based): chr1:154,571,753, C deleted. VCF-style (leftmost placement, unchanged base first): chr1-154571752-TC-T. GRCh37 (hg19) VCF-style: chr1-154544228-TC-T.
Other names: short protein forms S311fs.
Identifiers: ClinVar variation 964307 (VCV000964307.7), dbSNP rs1696170002, ClinGen allele CA1139656332.

ClinVar aggregate classification (germline): Uncertain significance (1 of 4 stars; one submission).

Conditions:
Familial sleep-related hypermotor epilepsy. Also called: Autosomal Dominant Sleep-Related Hypermotor (Hyperkinetic) Epilepsy. Identifiers: Orphanet 98784, MedGen C3696898, MONDO:0000030.

Submission:

Labcorp Genetics (formerly Invitae), Labcorp
Classification: Uncertain significance. Last evaluated: 2022-03-19. Review status: criteria provided, single submitter. Criteria: Invitae Variant Classification Sherloc (09022015). Collection method: clinical testing. Allele origin: germline.
Comment: In summary, the available evidence is currently insufficient to determine the role of this variant in disease. Therefore, it has been classified as a Variant of Uncertain Significance. ClinVar contains an entry for this variant (Variation ID: 964307). This variant has not been reported in the literature in individuals affected with CHRNB2-related conditions. This variant is not present in population databases (gnomAD no frequency). This sequence change creates a premature translational stop signal (p.Ser311Profs*25) in the CHRNB2 gene. It is expected to result in an absent or disrupted protein product. However, the current clinical and genetic evidence is not sufficient to establish whether loss-of-function variants in CHRNB2 cause disease.